The following is an entry in ClinVar:

ClinVar aggregate classification (germline): Uncertain significance. Review status: criteria provided, multiple submitters, no conflicts (2 of 4 stars). 4 submissions from 4 submitters: Uncertain significance (4). Last evaluated 2019-08-01.

Allele frequency attached by ClinVar (database versions not stated): gnomAD 0.00003 and 0.00005; gnomAD exomes 0.00004 and 0.00005; TOPMed 0.00004; ExAC 0.00006; ESP Exome Variant Server 0.00008; 1000 Genomes Project 30x 0.00031; 1000 Genomes Project 0.00040.
gnomAD v4.1: 29 of 1,612,960 alleles (0.0018%); highest among the groups gnomAD compares: East Asian, 0.031%; no homozygotes.

Submissions (4):

CeGaT Center for Human Genetics Tuebingen
Classification: Uncertain significance. Last evaluated: 2019-08-01. Review status: criteria provided, single submitter. Criteria: CeGaT Center For Human Genetics Tuebingen Variant Classification Criteria Version 2. Collection method: clinical testing. Allele origin: germline. Affected: yes. Observed: 1 variant allele.

Eurofins Ntd Llc (ga)
Classification: Uncertain significance. Last evaluated: 2015-10-07. Review status: criteria provided, single submitter. Criteria: EGL Classification Definitions 2015. Collection method: clinical testing. Allele origin: germline. Observed: 1 variant allele, 1 heterozygote.

GeneDx
Classification: Uncertain significance. Last evaluated: 2014-10-27. Review status: criteria provided, single submitter. Criteria: GeneDx Variant Classification (06012015). Collection method: clinical testing. Allele origin: germline. Affected: yes.
Comment: Missense variants in the TTN gene are considered 'unclassified' if they are not previously reported in the literature and do not have >1% frequency in the population to be considered a polymorphism. Research indicates that truncating mutations in the TTN gene are expected to account for approximately 25% of familial and 18% of sporadic idiopathic DCM; however, truncating variants in the TTN gene have been reported in approximately 3% of reported control alleles. There has been little investigation into non-truncating variants. (Herman D et al. Truncations of titin causing dilated cardiomyopathy. N Eng J Med 366:619-628, 2012) The variant is found in CARDIOMYOPATHY panel(s).

Laboratory for Molecular Medicine, Mass General Brigham Personalized Medicine
Classification: Uncertain significance. Last evaluated: 2013-02-22. Review status: criteria provided, single submitter. Criteria: LMM Criteria. Collection method: clinical testing. Allele origin: germline. Observed: 1 variant allele.
Comment: The Arg16090Gln variant in TTN has not been reported in the literature nor previ ously identified by our laboratory. This variant has been identified in 1/8592 E uropean American chromosomes from a broad population by the NHLBI Exome Sequenci ng Project. This frequency is too low to ru le out a role in disease. Computational analyses (biochemical amino acid propert ies, conservation, AlignGVGD, Polyphen2, and SIFT) do not provide strong support for or against an impact to the protein. Additional information is needed to f ully assess the clinical significance of the Arg16090Gln variant.

NM_001267550.2(TTN):c.55973G>A (p.Arg18658Gln)

Genes: TTN (titin; minus strand), TTN-AS1 (TTN antisense RNA 1; plus strand). Cytogenetic location: 2q31.2.
Variant type: single nucleotide variant.
Coding change: c.55973G>A on transcript NM_001267550.2 (MANE Select); coding-DNA position 55973, G replaced by A.
Protein change: p.Arg18658Gln; replaces arginine 18658 with glutamine.
Molecular consequence: missense variant.
Genome position (GRCh38, 1-based): chr2:178,600,931, C>T on the plus strand (G>A on the coding strand, the complement: TTN is on the minus strand). VCF-style: chr2-178600931-C-T. GRCh37 (hg19) VCF-style: chr2-179465658-C-T.
Other names: p.R17017Q:CGA>CAA; c.51050G>A, p.Arg17017Gln (NM_001256850.1); c.48269G>A, p.Arg16090Gln (NM_133378.4); c.28778G>A, p.Arg9593Gln (NM_003319.4); c.29153G>A, p.Arg9718Gln (NM_133432.3); c.29354G>A, p.Arg9785Gln (NM_133437.4); short protein forms R18658Q, R16090Q, R17017Q, R9785Q, R9593Q, R9718Q.
Identifiers: ClinVar variation 47109 (VCV000047109.51), dbSNP rs370888932, ClinGen allele CA140036.